The following is an entry in ClinVar:

NM_001205293.3(CACNA1E):c.6238G>C (p.Gly2080Arg)

Gene: CACNA1E (calcium voltage-gated channel subunit alpha1 E; plus strand). Cytogenetic location: 1q25.3.
Variant type: single nucleotide variant.
Coding change: c.6238G>C on transcript NM_001205293.3 (MANE Select); coding-DNA position 6238, G replaced by C.
Protein change: p.Gly2080Arg; replaces glycine 2080 with arginine.
Molecular consequence: missense variant.
Genome position (GRCh38, 1-based): chr1:181,796,697, G>C. VCF-style: chr1-181796697-G-C. GRCh37 (hg19) VCF-style: chr1-181765833-G-C.
Other names: c.6109G>C, p.Gly2037Arg (NM_000721.4); c.6052G>C, p.Gly2018Arg (NM_001205294.2); short protein forms G2018R, G2080R, G2037R.
Identifiers: ClinVar variation 3633695 (VCV003633695.2).
Genomic context (GRCh38, chr1:181,796,697, plus strand): 5'-TATAACCAAGTGCTTTTGTCACCTCTCACAGGCCACAAGTCTGACACTCACCGCTCAGGG[G>C]GCAGGGAGCGGGGACGATCAAAAGAGCGAAAGCATCTTCTCTCTCCTGATGTCTCCCGCT-3'
Protein context (NP_001192222.1, residues 2070-2090): GHKSDTHRSG[Gly2080Arg]RERGRSKERK

ClinVar aggregate classification (germline): Uncertain significance (1 of 4 stars; one submission).

Submission:

Labcorp Genetics (formerly Invitae), Labcorp
Classification: Uncertain significance. Last evaluated: 2025-06-02. Review status: criteria provided, single submitter. Criteria: Invitae Variant Classification Sherloc (09022015). Collection method: clinical testing. Allele origin: germline.
Comment: This sequence change replaces glycine, which is neutral and non-polar, with arginine, which is basic and polar, at codon 2037 of the CACNA1E protein (p.Gly2037Arg). This variant is not present in population databases (gnomAD no frequency). This variant has not been reported in the literature in individuals affected with CACNA1E-related conditions. ClinVar contains an entry for this variant (Variation ID: 3633695). Invitae Evidence Modeling of protein sequence and biophysical properties (such as structural, functional, and spatial information, amino acid conservation, physicochemical variation, residue mobility, and thermodynamic stability) indicates that this missense variant is not expected to disrupt CACNA1E protein function with a negative predictive value of 95%. In summary, the available evidence is currently insufficient to determine the role of this variant in disease. Therefore, it has been classified as a Variant of Uncertain Significance.